The following is an entry in ClinVar:

NM_000399.5(EGR2):c.174C>T (p.Gly58=)

Gene: EGR2 (early growth response 2; minus strand). Cytogenetic location: 10q21.3.
Variant type: single nucleotide variant.
Coding change: c.174C>T on transcript NM_000399.5 (MANE Select); coding-DNA position 174, C replaced by T.
Protein change: p.Gly58=; no amino-acid change (glycine 58 retained).
Molecular consequence: synonymous variant.
Genome position (GRCh38, 1-based): chr10:62,814,464, G>A on the plus strand (C>T on the coding strand, the complement: EGR2 is on the minus strand). VCF-style: chr10-62814464-G-A. GRCh37 (hg19) VCF-style: chr10-64574224-G-A.
Other names: p.Gly58=; c.174C>T, p.Gly58= (NM_001136177.3, NM_001136178.2); c.24C>T, p.Gly8= (NM_001136179.3, NM_001321037.2).
Identifiers: ClinVar variation 246185 (VCV000246185.57), dbSNP rs143793213, ClinGen allele CA5517311.

ClinVar aggregate classification (germline): Benign/Likely benign. Review status: criteria provided, multiple submitters, no conflicts (2 of 4 stars). 10 submissions from 10 submitters: Benign (3); Likely benign (7). Last evaluated 2026-01-21.

Conditions:
EGR2-related disorder. Also called: EGR2-related condition.
Charcot-Marie-Tooth disease type 1D. Also called: HEREDITARY MOTOR AND SENSORY NEUROPATHY 1D; HMSN ID; CHARCOT-MARIE-TOOTH NEUROPATHY, TYPE 1D; Charcot-Marie-Tooth disease, demyelinating, type 1d. Identifiers: Orphanet 101084, MedGen C1843247, MONDO:0011890, OMIM 607678.
Charcot-Marie-Tooth disease, type I (CMT1). Also called: Charcot-Marie-Tooth, Type 1; Charcot-Marie-Tooth disease type 1. Identifiers: Orphanet 65753, MedGen C0751036, MONDO:0019011.

Allele frequency attached by ClinVar (database versions not stated): 1000 Genomes Project 30x 0.00016; 1000 Genomes Project 0.00020; ESP Exome Variant Server 0.00023; gnomAD 0.00023 and 0.00024; TOPMed 0.00024; gnomAD exomes 0.00040; ExAC 0.00057.
gnomAD v4.1: 475 of 1,614,000 alleles (0.029%); highest among the groups gnomAD compares: Non-Finnish European, 0.036%; 1 homozygote.

Submissions (10):

Labcorp Genetics (formerly Invitae), Labcorp
Classification: Benign for Charcot-Marie-Tooth disease, type I. Last evaluated: 2026-01-21. Review status: criteria provided, single submitter. Criteria: Invitae Variant Classification Sherloc (09022015). Collection method: clinical testing. Allele origin: germline.

PreventionGenetics, part of Exact Sciences
Classification: Likely benign for EGR2-related condition. Last evaluated: 2025-06-24. Review status: criteria provided, single submitter. Criteria: ACMG Guidelines, 2015. Collection method: clinical testing. Allele origin: germline.
Comment: This variant is classified as likely benign based on ACMG/AMP sequence variant interpretation guidelines (Richards et al. 2015 PMID: 25741868, with internal and published modifications).

Mayo Clinic Laboratories, Mayo Clinic
Classification: Likely benign. Last evaluated: 2025-05-27. Review status: criteria provided, single submitter. Criteria: ACMG Guidelines, 2015. Collection method: clinical testing. Allele origin: germline. Observed: 4 variant alleles.
Comment: BP4, BP7

Women's Health and Genetics/Laboratory Corporation of America, LabCorp
Classification: Benign. Last evaluated: 2025-02-19. Review status: criteria provided, single submitter. Criteria: LabCorp Variant Classification Summary - May 2015. Collection method: clinical testing. Allele origin: germline.
Comment: Variant summary: EGR2 c.174C>T alters a non-conserved nucleotide resulting in a synonymous change. Consensus agreement among computation tools predict no significant impact on normal splicing. However, these predictions have yet to be confirmed by functional studies. The variant allele was found at a frequency of 0.0003 in 1607026 control chromosomes in the gnomAD database (v4.1 dataset), including 1 homozygote. To our knowledge, no occurrence of c.174C>T in individuals affected with EGR2-Related Disorders and no experimental evidence demonstrating its impact on protein function have been reported. ClinVar contains an entry for this variant (Variation ID: 246185). Based on the evidence outlined above, the variant was classified as benign.

Blueprint Genetics
Classification: Likely benign. Last evaluated: 2024-11-27. Review status: criteria provided, single submitter. Criteria: ACMG Guidelines, 2015. Collection method: clinical testing. Allele origin: germline.

ARUP Laboratories, Molecular Genetics and Genomics, ARUP Laboratories
Classification: Likely benign. Last evaluated: 2024-05-31. Review status: criteria provided, single submitter. Criteria: ARUP Molecular Germline Variant Investigation Process 2024. Collection method: clinical testing. Allele origin: germline.

CeGaT Center for Human Genetics Tuebingen
Classification: Likely benign. Last evaluated: 2021-06-01. Review status: criteria provided, single submitter. Criteria: CeGaT Center For Human Genetics Tuebingen Variant Classification Criteria Version 2. Collection method: clinical testing. Allele origin: germline. Affected: yes. Observed: 1 variant allele.

Athena Diagnostics
Classification: Benign. Last evaluated: 2021-05-28. Review status: criteria provided, single submitter. Criteria: Athena Diagnostics criteria. Collection method: clinical testing. Allele origin: unknown.

GeneDx
Classification: Likely benign. Last evaluated: 2021-03-15. Review status: criteria provided, single submitter. Criteria: GeneDx Variant Classification Process June 2021. Collection method: clinical testing. Allele origin: germline. Affected: yes.

Illumina Laboratory Services, Illumina
Classification: Likely benign for Charcot-Marie-Tooth disease type 1D. Last evaluated: 2018-01-13. Review status: criteria provided, single submitter. Criteria: ICSL Variant Classification Criteria 13 December 2019. Collection method: clinical testing. Allele origin: germline.
Comment: This variant was observed in the ICSL laboratory as part of a predisposition screen in an ostensibly healthy population. It had not been previously curated by ICSL or reported in the Human Gene Mutation Database (HGMD: prior to June 1st, 2018), and was therefore a candidate for classification through an automated scoring system. Utilizing variant allele frequency, disease prevalence and penetrance estimates, and inheritance mode, an automated score was calculated to assess if this variant is too frequent to cause the disease. Based on the score and internal cut-off values, a variant classified as likely benign is not then subjected to further curation. The score for this variant resulted in a classification of likely benign for this disease.

Literature cited by the submitters: PubMed 32376792 (cited by Mayo Clinic Laboratories, Mayo Clinic and Athena Diagnostics).